The following is an entry in ClinVar:

NM_001377540.1(SLMAP):c.928G>A (p.Ala310Thr)

Gene: SLMAP (sarcolemma associated protein; plus strand). Cytogenetic location: 3p14.3.
Variant type: single nucleotide variant.
Coding change: c.928G>A on transcript NM_001377540.1 (MANE Select); coding-DNA position 928, G replaced by A.
Protein change: p.Ala310Thr; replaces alanine 310 with threonine.
Molecular consequence: missense variant. On other transcripts: non-coding transcript variant (1).
Genome position (GRCh38, 1-based): chr3:57,862,048, G>A. VCF-style: chr3-57862048-G-A. GRCh37 (hg19) VCF-style: chr3-57847775-G-A.
Other names: c.928G>A, p.Ala310Thr (NM_001377541.1, NM_001377542.1, NM_001377545.1 and 17 more transcripts); short protein forms A310T.
Identifiers: ClinVar variation 411194 (VCV000411194.5), dbSNP rs754387957, ClinGen allele CA2466968.

ClinVar aggregate classification (germline): Uncertain significance (1 of 4 stars; one submission).

Conditions:
Brugada syndrome. Also called: Sudden unexpected nocturnal death syndrome; Sudden Unexplained Death Syndrome; Sudden Unexplained Nocturnal Death Syndrome (SUNDS); Sudden unexplained nocturnal death syndrome. Identifiers: Orphanet 130, MedGen C1142166, MONDO:0015263.

Allele frequency attached by ClinVar (database versions not stated): gnomAD below 0.00001 and 0.00001; gnomAD exomes 0.00001 and 0.00002; TOPMed 0.00001; ExAC 0.00002.

Submission:

Labcorp Genetics (formerly Invitae), Labcorp
Classification: Uncertain significance for Brugada syndrome. Last evaluated: 2024-12-22. Review status: criteria provided, single submitter. Criteria: Invitae Variant Classification Sherloc (09022015). Collection method: clinical testing. Allele origin: germline.
Comment: This sequence change replaces alanine, which is neutral and non-polar, with threonine, which is neutral and polar, at codon 310 of the SLMAP protein (p.Ala310Thr). This variant is present in population databases (rs754387957, gnomAD 0.01%). This variant has not been reported in the literature in individuals affected with SLMAP-related conditions. ClinVar contains an entry for this variant (Variation ID: 411194). An algorithm developed to predict the effect of missense changes on protein structure and function (PolyPhen-2) suggests that this variant is likely to be disruptive. In summary, the available evidence is currently insufficient to determine the role of this variant in disease. Therefore, it has been classified as a Variant of Uncertain Significance.